The following is an entry in ClinVar:

NM_005732.4(RAD50):c.3674G>A (p.Cys1225Tyr)

Genes: TH2-LCR (Th2 cytokine locus control region; plus strand), TH2LCRR (T helper type 2 locus control region associated RNA; minus strand), RAD50 (RAD50 double strand break repair protein; plus strand). Cytogenetic location: 5q31.1.
Variant type: single nucleotide variant.
Coding change: c.3674G>A on transcript NM_005732.4 (MANE Select); coding-DNA position 3674, G replaced by A.
Protein change: p.Cys1225Tyr; replaces cysteine 1225 with tyrosine.
Molecular consequence: missense variant.
Genome position (GRCh38, 1-based): chr5:132,640,727, G>A. VCF-style: chr5-132640727-G-A. GRCh37 (hg19) VCF-style: chr5-131976419-G-A.
Other names: short protein forms C1225Y.
Identifiers: ClinVar variation 824058 (VCV000824058.10), dbSNP rs1581023740, ClinGen allele CA360934142.

ClinVar aggregate classification (germline): Uncertain significance. Review status: criteria provided, multiple submitters, no conflicts (2 of 4 stars). 2 submissions from 2 submitters: Uncertain significance (2). Last evaluated 2024-07-06.

Conditions:
Hereditary cancer-predisposing syndrome. Also called: Neoplastic Syndromes, Hereditary; Tumor predisposition; Hereditary neoplastic syndrome; Hereditary Cancer Syndrome. Identifiers: Orphanet 140162, MedGen C0027672, MeSH D009386, MONDO:0015356.

Submissions (2):

Ambry Genetics
Classification: Uncertain significance for Hereditary cancer-predisposing syndrome. Last evaluated: 2024-07-06. Review status: criteria provided, single submitter. Criteria: Ambry Variant Classification Scheme 2023. Collection method: clinical testing. Allele origin: germline.
Comment: The p.C1225Y variant (also known as c.3674G>A), located in coding exon 24 of the RAD50 gene, results from a G to A substitution at nucleotide position 3674. The cysteine at codon 1225 is replaced by tyrosine, an amino acid with highly dissimilar properties. This amino acid position is highly conserved in available vertebrate species. In addition, this alteration is predicted to be deleterious by in silico analysis. Since supporting evidence is limited at this time, the clinical significance of this alteration remains unclear.

Labcorp Genetics (formerly Invitae), Labcorp
Classification: Uncertain significance for Hereditary cancer-predisposing syndrome. Last evaluated: 2022-08-21. Review status: criteria provided, single submitter. Criteria: Invitae Variant Classification Sherloc (09022015). Collection method: clinical testing. Allele origin: germline.
Comment: In summary, the available evidence is currently insufficient to determine the role of this variant in disease. Therefore, it has been classified as a Variant of Uncertain Significance. Algorithms developed to predict the effect of missense changes on protein structure and function are either unavailable or do not agree on the potential impact of this missense change (SIFT: "Deleterious"; PolyPhen-2: "Probably Damaging"; Align-GVGD: "Class C0"). ClinVar contains an entry for this variant (Variation ID: 824058). This variant has not been reported in the literature in individuals affected with RAD50-related conditions. This variant is not present in population databases (gnomAD no frequency). This sequence change replaces cysteine, which is neutral and slightly polar, with tyrosine, which is neutral and polar, at codon 1225 of the RAD50 protein (p.Cys1225Tyr).